The following is an entry in ClinVar:

NM_182961.4(SYNE1):c.5722G>T (p.Asp1908Tyr)

Gene: SYNE1 (spectrin repeat containing nuclear envelope protein 1; minus strand). Cytogenetic location: 6q25.2.
Variant type: single nucleotide variant.
Coding change: c.5722G>T on transcript NM_182961.4 (MANE Select); coding-DNA position 5722, G replaced by T.
Protein change: p.Asp1908Tyr; replaces aspartic acid 1908 with tyrosine.
Molecular consequence: missense variant.
Genome position (GRCh38, 1-based): chr6:152,416,715, C>A on the plus strand (G>T on the coding strand, the complement: SYNE1 is on the minus strand). VCF-style: chr6-152416715-C-A. GRCh37 (hg19) VCF-style: chr6-152737850-C-A.
Other names: c.5743G>T, p.Asp1915Tyr (NM_033071.5); short protein forms D1908Y, D1915Y.
Identifiers: ClinVar variation 958286 (VCV000958286.9), dbSNP rs369176646, ClinGen allele CA4058225.

ClinVar aggregate classification (germline): Uncertain significance (1 of 4 stars; one submission).

Conditions:
Autosomal recessive ataxia, Beauce type. Also called: Spinocerebellar ataxia, autosomal recessive 8; ATAXIA, RECESSIVE, OF BEAUCE; SYNE1-Related Autosomal Recessive Cerebellar Ataxia; SYNE1 Deficiency. Identifiers: Orphanet 88644, MedGen C1853116, MONDO:0012549, OMIM 610743.
Emery-Dreifuss muscular dystrophy 4, autosomal dominant (EDMD4). Also called: EMERY-DREIFUSS MUSCULAR DYSTROPHY 4 WITH VARIABLE FEATURES. Identifiers: Orphanet 261, MedGen C2751807, MONDO:0013071, OMIM 612998.

Allele frequency attached by ClinVar (database versions not stated): gnomAD exomes 0.00001; ExAC 0.00002; ESP Exome Variant Server 0.00008.
gnomAD v4.1: 1 of 1,614,228 alleles (0.000062%); highest among the groups gnomAD compares: East Asian, 0.0022%; no homozygotes.

Submission:

Labcorp Genetics (formerly Invitae), Labcorp
Classification: Uncertain significance for Emery-Dreifuss muscular dystrophy 4, autosomal dominant; Autosomal recessive ataxia, Beauce type. Last evaluated: 2024-10-18. Review status: criteria provided, single submitter. Criteria: Invitae Variant Classification Sherloc (09022015). Collection method: clinical testing. Allele origin: germline.
Comment: This sequence change replaces aspartic acid, which is acidic and polar, with tyrosine, which is neutral and polar, at codon 1915 of the SYNE1 protein (p.Asp1915Tyr). This variant is present in population databases (rs369176646, gnomAD 0.007%). This variant has not been reported in the literature in individuals affected with SYNE1-related conditions. ClinVar contains an entry for this variant (Variation ID: 958286). An algorithm developed to predict the effect of missense changes on protein structure and function (PolyPhen-2) suggests that this variant is likely to be disruptive. In summary, the available evidence is currently insufficient to determine the role of this variant in disease. Therefore, it has been classified as a Variant of Uncertain Significance.